The following is an entry in ClinVar:

ClinVar aggregate classification (germline): Uncertain significance (1 of 4 stars; one submission).

Submission:

Labcorp Genetics (formerly Invitae), Labcorp
Classification: Uncertain significance. Last evaluated: 2023-08-29. Review status: criteria provided, single submitter. Criteria: Invitae Variant Classification Sherloc (09022015). Collection method: clinical testing. Allele origin: germline.
Comment: This sequence change replaces valine, which is neutral and non-polar, with glycine, which is neutral and non-polar, at codon 21 of the LRRC10 protein (p.Val21Gly). This variant is not present in population databases (gnomAD no frequency). This variant has not been reported in the literature in individuals affected with LRRC10-related conditions. An algorithm developed to predict the effect of missense changes on protein structure and function (PolyPhen-2) suggests that this variant is likely to be tolerated. In summary, the available evidence is currently insufficient to determine the role of this variant in disease. Therefore, it has been classified as a Variant of Uncertain Significance.

NM_201550.4(LRRC10):c.62T>G (p.Val21Gly)

Gene: LRRC10 (leucine rich repeat containing 10; minus strand). Cytogenetic location: 12q15.
Variant type: single nucleotide variant.
Coding change: c.62T>G on transcript NM_201550.4 (MANE Select); coding-DNA position 62, T replaced by G.
Protein change: p.Val21Gly; replaces valine 21 with glycine.
Molecular consequence: missense variant.
Genome position (GRCh38, 1-based): chr12:69,610,777, A>C on the plus strand (T>G on the coding strand, the complement: LRRC10 is on the minus strand). VCF-style: chr12-69610777-A-C. GRCh37 (hg19) VCF-style: chr12-70004557-A-C.
Other names: short protein forms V21G.
Identifiers: ClinVar variation 2810335 (VCV002810335.3), dbSNP rs2499033852, ClinGen allele CA385738574.
Genomic context (GRCh38, chr12:69,610,777, plus strand): 5'-AACTGGCTCCCACTCAGATCCACCATCTTGTCCAGCGGCATCTCACGGAGGTCCCTGACC[A>C]CATAGTTCTGGCAACGGTCAGCAGGGATGAAGGCCACGAGGGCCCTGATGGTGTTCCCCA-3'
Protein context (NP_963844.2, residues 11-31): FIPADRCQNY[Val21Gly]VRDLREMPLD